The following is an entry in ClinVar:

NM_004369.4(COL6A3):c.590T>C (p.Met197Thr)

Gene: COL6A3 (collagen type VI alpha 3 chain; minus strand). Cytogenetic location: 2q37.3.
Variant type: single nucleotide variant.
Coding change: c.590T>C on transcript NM_004369.4 (MANE Select); coding-DNA position 590, T replaced by C.
Protein change: p.Met197Thr; replaces methionine 197 with threonine.
Molecular consequence: missense variant. On other transcripts: intron variant (4).
Genome position (GRCh38, 1-based): chr2:237,394,706, A>G on the plus strand (T>C on the coding strand, the complement: COL6A3 is on the minus strand). VCF-style: chr2-237394706-A-G. GRCh37 (hg19) VCF-style: chr2-238303349-A-G.
Other names: c.91+2021T>C (NM_057166.5, NM_057167.4, NM_057164.5 and 1 more transcripts); short protein forms M197T.
Identifiers: ClinVar variation 2636288 (VCV002636288.2), dbSNP rs1351036561, ClinGen allele CA351226706.

ClinVar aggregate classification (germline): Uncertain significance (1 of 4 stars; one submission).

Conditions:
COL6A3-related disorder. Also called: COL6A3-related disorders; COL6A3-related condition.

Submission:

PreventionGenetics, part of Exact Sciences
Classification: Uncertain significance for COL6A3-related condition. Last evaluated: 2025-09-06. Review status: criteria provided, single submitter. Criteria: ACMG Guidelines, 2015. Collection method: clinical testing. Allele origin: germline.
Comment: The COL6A3 c.590T>C variant is predicted to result in the amino acid substitution p.Met197Thr. To our knowledge, this variant has not been reported in the literature. This variant is reported in 0.0033% of alleles in individuals of South Asian descent in gnomAD. At this time, the clinical significance of this variant is uncertain due to the absence of conclusive functional and genetic evidence.